The following is an entry in ClinVar:

NM_014270.5(SLC7A9):c.478+10T>C

Gene: SLC7A9 (solute carrier family 7 member 9; minus strand). Cytogenetic location: 19q13.11.
Variant type: single nucleotide variant.
Coding change: c.478+10T>C on transcript NM_014270.5 (MANE Select); 10 bases into the intron after coding-DNA position 478, T replaced by C.
Molecular consequence: intron variant.
Genome position (GRCh38, 1-based): chr19:32,864,086, A>G on the plus strand (T>C on the coding strand, the complement: SLC7A9 is on the minus strand). VCF-style: chr19-32864086-A-G. GRCh37 (hg19) VCF-style: chr19-33354992-A-G.
Other names: p.?; c.478+10T>C (NM_001126335.2, NM_001243036.2).
Identifiers: ClinVar variation 328760 (VCV000328760.22), dbSNP rs6510300, ClinGen allele CA9358830.

ClinVar aggregate classification (germline): Benign. Review status: criteria provided, multiple submitters, no conflicts (2 of 4 stars). 9 submissions from 9 submitters: Benign (7). 2 of the submissions do not count toward it. Last evaluated 2026-03-03.

Conditions:
Cystinuria (CSNU). Also called: Cystinuria, non-type I; CYSTINURIA, TYPE I; CYSTINURIA, TYPE II; CYSTINURIA, TYPE III. Identifiers: Orphanet 214, MedGen C0010691, MONDO:0009067, OMIM 220100, HP:0003131.

Allele frequency attached by ClinVar (database versions not stated): 1000 Genomes Project 30x 0.08026; 1000 Genomes Project 0.08087; TOPMed 0.10495; gnomAD 0.10642 and 0.10753; ESP Exome Variant Server 0.11264; ExAC 0.11302; gnomAD exomes 0.11431 and 0.13591.
gnomAD v4.1: 214,857 of 1,613,860 alleles (13%); highest among the groups gnomAD compares: Middle Eastern, 17%; 15,295 homozygotes.

Submissions (9):

Women's Health and Genetics/Laboratory Corporation of America, LabCorp
Classification: Benign. Last evaluated: 2026-03-03. Review status: criteria provided, single submitter. Criteria: LabCorp Variant Classification Summary - May 2015. Collection method: clinical testing. Allele origin: germline.

Labcorp Genetics (formerly Invitae), Labcorp
Classification: Benign. Last evaluated: 2026-02-04. Review status: criteria provided, single submitter. Criteria: Invitae Variant Classification Sherloc (09022015). Collection method: clinical testing. Allele origin: germline.

Blueprint Genetics
Classification: Benign. Last evaluated: 2024-11-28. Review status: criteria provided, single submitter. Criteria: ACMG Guidelines, 2015. Collection method: clinical testing. Allele origin: germline.

Mayo Clinic Laboratories, Mayo Clinic
Classification: Benign. Last evaluated: 2022-03-09. Review status: criteria provided, single submitter. Criteria: ACMG Guidelines, 2015. Collection method: clinical testing. Allele origin: germline. Observed: 57 variant alleles.

GeneDx
Classification: Benign. Last evaluated: 2019-04-03. Review status: criteria provided, single submitter. Criteria: GeneDx Variant Classification Process June 2021. Collection method: clinical testing. Allele origin: germline. Affected: yes.

Illumina Laboratory Services, Illumina
Classification: Benign for Cystinuria. Last evaluated: 2018-01-12. Review status: criteria provided, single submitter. Criteria: ICSL Variant Classification Criteria 13 December 2019. Collection method: clinical testing. Allele origin: germline.
Comment: This variant was observed in the ICSL laboratory as part of a predisposition screen in an ostensibly healthy population. It had not been previously curated by ICSL or reported in the Human Gene Mutation Database (HGMD: prior to June 1st, 2018), and was therefore a candidate for classification through an automated scoring system. Utilizing variant allele frequency, disease prevalence and penetrance estimates, and inheritance mode, an automated score was calculated to assess if this variant is too frequent to cause the disease. Based on the score and internal cut-off values, a variant classified as benign is not then subjected to further curation. The score for this variant resulted in a classification of benign for this disease.

Breakthrough Genomics
Classification: Benign. Review status: criteria provided, single submitter. Criteria: ACMG Guidelines, 2015. Collection method: not provided. Allele origin: germline. Inheritance: Autosomal dominant inheritance. Affected: yes.

Diagnostic Laboratory, Department of Genetics, University Medical Center Groningen
Classification: Benign. Review status: no assertion criteria provided. Collection method: clinical testing. Allele origin: germline. Affected: yes. Study: VKGL Data-share Consensus. Not counted in ClinVar's aggregate classification.

Joint Genome Diagnostic Labs from Nijmegen and Maastricht, Radboudumc and MUMC+
Classification: Benign. Review status: no assertion criteria provided. Collection method: clinical testing. Allele origin: germline. Affected: yes. Study: VKGL Data-share Consensus. Not counted in ClinVar's aggregate classification.